The following is an entry in ClinVar:

ClinVar aggregate classification (germline): Uncertain significance (1 of 4 stars; one submission).

gnomAD v4.1: 2 of 1,548,166 alleles (0.00013%); highest among the groups gnomAD compares: Non-Finnish European, 0.00017%; no homozygotes.

Submission:

GeneDx
Classification: Uncertain significance. Last evaluated: 2025-01-30. Review status: criteria provided, single submitter. Criteria: GeneDx Variant Classification Process June 2021. Collection method: clinical testing. Allele origin: germline. Affected: yes.
Comment: Not observed at significant frequency in large population cohorts (gnomAD); In silico analysis indicates that this missense variant does not alter protein structure/function; Has not been previously published as pathogenic or benign to our knowledge

NM_001348768.2(HECW2):c.2164G>T (p.Ala722Ser)

Gene: HECW2 (HECT, C2 and WW domain containing E3 ubiquitin protein ligase 2; minus strand). Cytogenetic location: 2q32.3.
Variant type: single nucleotide variant.
Coding change: c.2164G>T on transcript NM_001348768.2 (MANE Select); coding-DNA position 2164, G replaced by T.
Protein change: p.Ala722Ser; replaces alanine 722 with serine.
Molecular consequence: missense variant.
Genome position (GRCh38, 1-based): chr2:196,318,726, C>A on the plus strand (G>T on the coding strand, the complement: HECW2 is on the minus strand). VCF-style: chr2-196318726-C-A. GRCh37 (hg19) VCF-style: chr2-197183450-C-A.
Other names: c.1096G>T, p.Ala366Ser (NM_001304840.3); c.2164G>T, p.Ala722Ser (NM_020760.4); short protein forms A366S, A722S.
Identifiers: ClinVar variation 4072758 (VCV004072758.1).